The following is an entry in ClinVar:

ClinVar aggregate classification (germline): Conflicting classifications of pathogenicity. Review status: criteria provided, conflicting classifications (1 of 4 stars). 3 submissions from 3 submitters: Likely pathogenic (1); Uncertain significance (2). Last evaluated 2026-04-08.

Conditions:
WFS1-related disorder. Identifiers: MedGen CN379391, MONDO:0700293.

Allele frequency attached by ClinVar (database versions not stated): ExAC 0.00007; TOPMed 0.00002; gnomAD 0.00001; gnomAD exomes 0.00007.
gnomAD v4.1: 98 of 1,612,958 alleles (0.0061%); highest among the groups gnomAD compares: Middle Eastern, 0.016%; no homozygotes.

Submissions (3):

GeneDx
Classification: Uncertain significance. Last evaluated: 2026-04-08. Review status: criteria provided, single submitter. Criteria: GeneDx Variant Classification Process June 2021. Collection method: clinical testing. Allele origin: germline.
Comment: In silico analysis supports that this missense variant has a deleterious effect on protein structure/function; This variant is associated with the following publications: (PMID: 28432734, 31765440)

Labcorp Genetics (formerly Invitae), Labcorp
Classification: Uncertain significance. Last evaluated: 2024-12-31. Review status: criteria provided, single submitter. Criteria: Invitae Variant Classification Sherloc (09022015). Collection method: clinical testing. Allele origin: germline.
Comment: This sequence change replaces isoleucine, which is neutral and non-polar, with serine, which is neutral and polar, at codon 561 of the WFS1 protein (p.Ile561Ser). This variant is present in population databases (rs776993839, gnomAD 0.008%). This missense change has been observed in individual(s) with Wolfram syndrome (PMID: 28432734). ClinVar contains an entry for this variant (Variation ID: 2416625). Invitae Evidence Modeling of protein sequence and biophysical properties (such as structural, functional, and spatial information, amino acid conservation, physicochemical variation, residue mobility, and thermodynamic stability) has been performed for this missense variant. However, the output from this modeling did not meet the statistical confidence thresholds required to predict the impact of this variant on WFS1 protein function. In summary, the available evidence is currently insufficient to determine the role of this variant in disease. Therefore, it has been classified as a Variant of Uncertain Significance.

Blueprint Genetics
Classification: Likely pathogenic for WFS1-related disorders. Last evaluated: 2024-08-26. Review status: criteria provided, single submitter. Criteria: ACMG Guidelines, 2015. Collection method: clinical testing. Allele origin: germline. Affected: yes. Observed: 5 variant alleles.

Literature cited by the submitters: PubMed 28432734 (cited by Labcorp Genetics (formerly Invitae), Labcorp).

NM_006005.3(WFS1):c.1682T>G (p.Ile561Ser)

Gene: WFS1 (wolframin ER transmembrane glycoprotein; plus strand). Cytogenetic location: 4p16.1.
Variant type: single nucleotide variant.
Coding change: c.1682T>G on transcript NM_006005.3 (MANE Select); coding-DNA position 1682, T replaced by G.
Protein change: p.Ile561Ser; replaces isoleucine 561 with serine.
Molecular consequence: missense variant.
Genome position (GRCh38, 1-based): chr4:6,301,477, T>G. VCF-style: chr4-6301477-T-G. GRCh37 (hg19) VCF-style: chr4-6303204-T-G.
Other names: c.1682T>G, p.Ile561Ser (NM_001145853.1); short protein forms I561S.
Identifiers: ClinVar variation 2416625 (VCV002416625.8), dbSNP rs776993839, ClinGen allele CA2839444.